The following continues an entry in ClinVar:

NM_000218.3(KCNQ1):c.805G>A (p.Gly269Ser)

Gene: KCNQ1. ClinVar aggregate classification (germline): Pathogenic. Pathogenic (13).

Submissions 7 to 16 of 16:

Color Diagnostics, LLC DBA Color Health
Classification: Pathogenic for Cardiac arrhythmia. Last evaluated: 2024-04-10. Review status: criteria provided, single submitter. Criteria: ACMG Guidelines, 2015. Collection method: clinical testing. Allele origin: germline.
Comment: This missense variant replaces glycine with serine at codon 269 of the KCNQ1 protein. This variant is found within the highly conserved transmembrane domain S5 (a.a. 262-282). Rare non-truncating variants in this region have been shown to be significantly overrepresented in individuals with long QT syndrome (PMID: 32893267). A functional study has shown that this variant leads to a modest reduction in potassium channel current under control conditions and results in a completely blunted channel response to PKA stimulation (PMID: 24184248). This variant has been reported in at least twenty unrelated individuals affected with long QT syndrome (PMID: 12702160, 15176425, 15234419, 17905336, 24184248, 27920829, 29740400, 32893267, 38489124). It has been shown that this variant segregates with disease in four of the families (PMID: 24184248). This variant has also been reported in two individuals affected with sudden death (PMID: 16436635, 22677073) as well as in some asymptomatic individuals (PMID: 10560595, 12702160). This variant has been identified in 1/250528 chromosomes in the general population by the Genome Aggregation Database (gnomAD). A different variant affecting the same codon, c.806G>A (p.Gly269Asp), is considered to be disease-causing (ClinVar variation ID: 3145), suggesting that glycine at this position is important for the protein function. Based on the available evidence, this variant is classified as Pathogenic.

Molecular Genetics Laboratory - Cardiogenetics, CHU de Nantes
Classification: Pathogenic for Long QT syndrome 1. Last evaluated: 2023-08-01. Review status: criteria provided, single submitter. Criteria: ACMG Guidelines, 2015. Collection method: clinical testing. Allele origin: germline. Affected: yes.

GeneDx
Classification: Pathogenic. Last evaluated: 2023-07-27. Review status: criteria provided, single submitter. Criteria: GeneDx Variant Classification Process June 2021. Collection method: clinical testing. Allele origin: germline. Affected: yes.
Comment: Not observed at significant frequency in large population cohorts (gnomAD); Published functional studies demonstrate a damaging effect as this variant may cause abnormal assembly and stability of the potassium channel and exert moderate dominant-negative suppression of the potassium channel (Verma et al., 2009; Wu et al., 2014; Wang et al., 2014); In silico analysis supports that this missense variant has a deleterious effect on protein structure/function; This variant is associated with the following publications: (PMID: 25348405, 20044973, 19808498, 27816319, 22677073, 29740400, 29439887, 15234419, 15176425, 18752142, 19841300, 9312006, 9386136, 10973849, 12051962, 12522251, 17470695, 31328865, 29151524, 25082577, 33087929, 10560595, 34319147, 32470535, 34505893, 24184248)

Blueprint Genetics
Classification: Pathogenic for KCNQ1-related disorders. Last evaluated: 2023-02-16. Review status: criteria provided, single submitter. Criteria: ACMG Guidelines, 2015. Collection method: clinical testing. Allele origin: germline. Affected: yes. Observed: 5 variant alleles.

ARUP Laboratories, Molecular Genetics and Genomics, ARUP Laboratories
Classification: Pathogenic. Last evaluated: 2019-05-22. Review status: criteria provided, single submitter. Criteria: ARUP Molecular Germline Variant Investigation Process. Collection method: clinical testing. Allele origin: germline.
Comment: The c.805G>A; This patient's QT was measured at 470 ms. Since then, the p.Gly269Ser variant has been reported in patients with long QT syndrome, including at least four families, where the variant segregated with disease (Wu 2014, Fujii 2017). Additionally, other amino acid substitutions at this codon (p.Gly269Asp, p.Gly269Val) have been reported in individuals with LQTS and are considered pathogenic (Donger 1997, and ClinVar IDs: 3145 & 200899). This variant is only observed on one allele in the Genome Aggregation Database, indicating it is not a common polymorphism. The glycine at codon 269 is highly conserved in the transmembrane S5 domain, and functional studies demonstrate that the p.Gly269Ser variant causes a reduction in potassium ion current and protein stability (Wu 2014 and Verma 2010). Computational analyses by SIFT and PolyPhen-2 also predict that this variant is deleterious. Overall, this variant is considered to be pathogenic.

Fulgent Genetics
Classification: Pathogenic for Beckwith-Wiedemann syndrome; Long QT syndrome 1; Jervell and Lange-Nielsen syndrome 1; Atrial fibrillation, familial, 3; Short QT syndrome type 2. Last evaluated: 2018-10-31. Review status: criteria provided, single submitter. Criteria: ACMG Guidelines, 2015. Collection method: clinical testing. Allele origin: unknown.

Juno Genomics, Hangzhou Juno Genomics, Inc
Classification: Pathogenic for Long QT syndrome 1. Review status: criteria provided, single submitter. Criteria: ACMG Guidelines, 2015. Collection method: clinical testing. Allele origin: germline.
Comment: Absent from controls (or at extremely low frequency if recessive) in Genome Aggregation Database.;Well-established in vitro or in vivo functional studies supportive of a damaging effect on the gene or gene product.;The prevalence of the variant in affected individuals is significantly increased compared to the prevalence in controls.;Co-segregation with disease in multiple affected family members.;Novel missense change at an amino acid residue where a different missense change determined to be pathogenic has been seen before.

Clinical Genetics Laboratory, Skane University Hospital Lund
Classification: Pathogenic for Long QT syndrome. Last evaluated: 2026-01-09. Review status: no assertion criteria provided. Collection method: clinical testing. Allele origin: germline. Inheritance: Autosomal dominant inheritance. Affected: yes. Not counted in ClinVar's aggregate classification.
Comment: Assessed according to the ClinGen Potassium Channel Arrhythmia Expert Panel Specifications to the ACMG/AMP Variant Interpretation Guidelines for KCNQ1 Version 1.0.0. Applied criteria: PS3, PS4, PP3.

OMIM
Classification: Pathogenic for LONG QT SYNDROME 1. Last evaluated: 2002-09-01. Review status: no assertion criteria provided. Collection method: literature only. Allele origin: germline. Not counted in ClinVar's aggregate classification.

Cardiovascular Biomedical Research Unit, Royal Brompton & Harefield NHS Foundation Trust
No classification provided. Condition: Familial long QT syndrome. Review status: no classification provided. Collection method: literature only. Allele origin: germline. Not counted in ClinVar's aggregate classification.
Comment: This variant has been reported as associated with Long QT syndrome in the following publications (PMID:10560595;PMID:12205113;PMID:12702160;PMID:14678125;PMID:15466642;PMID:15840476;PMID:17905336;PMID:18752142;PMID:19716085;PMID:19808498;PMID:20044973;PMID:15234419;PMID:17470695). This is a literature report, and does not necessarily reflect the clinical interpretation of the Imperial College / Royal Brompton Cardiovascular Genetics laboratory.

Literature cited by the submitters: PubMed 15234419 (cited by 6 submitters); PubMed 20044973 (cited by 4 submitters); PubMed 22677073 (cited by 4 submitters); PubMed 15466642 (cited by 3 submitters); PubMed 12205113 (cited by 4 submitters); PubMed 19632626 (cited by Victorian Clinical Genetics Services, Murdoch Childrens Research Institute); PubMed 20301308 (cited by Victorian Clinical Genetics Services, Murdoch Childrens Research Institute); PubMed 12702160 (cited by 5 submitters); PubMed 29439887 (cited by Victorian Clinical Genetics Services, Murdoch Childrens Research Institute); PubMed 24184248 (cited by 5 submitters); PubMed 28438721 (cited by Victorian Clinical Genetics Services, Murdoch Childrens Research Institute); PubMed 15176425 (cited by 3 submitters); PubMed 18752142 (cited by 3 submitters); PubMed 9312006 (cited by Labcorp Genetics (formerly Invitae), Labcorp); PubMed 9386136 (cited by Labcorp Genetics (formerly Invitae), Labcorp); PubMed 10973849 (cited by Labcorp Genetics (formerly Invitae), Labcorp); PubMed 12051962 (cited by Labcorp Genetics (formerly Invitae), Labcorp); PubMed 12522251 (cited by Labcorp Genetics (formerly Invitae), Labcorp); PubMed 17470695 (cited by Labcorp Genetics (formerly Invitae), Labcorp and Cardiovascular Biomedical Research Unit, Royal Brompton & Harefield NHS Foundation Trust); PubMed 10560595 (cited by 4 submitters); PubMed 15840476 (cited by Ambry Genetics and Cardiovascular Biomedical Research Unit, Royal Brompton & Harefield NHS Foundation Trust); PubMed 27761162 (cited by Ambry Genetics); PubMed 27816319 (cited by Ambry Genetics); PubMed 29740400 (cited by 3 submitters); PubMed 16436635 (cited by All of Us Research Program, National Institutes of Health and Color Diagnostics, LLC DBA Color Health); PubMed 17905336 (cited by 3 submitters); PubMed 27920829 (cited by All of Us Research Program, National Institutes of Health and Color Diagnostics, LLC DBA Color Health); PubMed 32893267 (cited by All of Us Research Program, National Institutes of Health and Color Diagnostics, LLC DBA Color Health); PubMed 38489124 (cited by All of Us Research Program, National Institutes of Health and Color Diagnostics, LLC DBA Color Health); PubMed 8487283 (cited by OMIM); PubMed 14678125 (cited by Cardiovascular Biomedical Research Unit, Royal Brompton & Harefield NHS Foundation Trust); PubMed 19716085 (cited by Cardiovascular Biomedical Research Unit, Royal Brompton & Harefield NHS Foundation Trust); PubMed 19808498 (cited by Cardiovascular Biomedical Research Unit, Royal Brompton & Harefield NHS Foundation Trust); PubMed 22581653 (cited by Cardiovascular Biomedical Research Unit, Royal Brompton & Harefield NHS Foundation Trust).